The following is an entry in ClinVar:

ClinVar aggregate classification (germline): Uncertain significance (1 of 4 stars; one submission).

gnomAD v4.1: 11 of 1,208,429 alleles (0.00091%); highest among the groups gnomAD compares: Middle Eastern, 0.023%; no homozygotes.

Submission:

Labcorp Genetics (formerly Invitae), Labcorp
Classification: Uncertain significance. Last evaluated: 2025-09-09. Review status: criteria provided, single submitter. Criteria: Invitae Variant Classification Sherloc (09022015). Collection method: clinical testing. Allele origin: germline.
Comment: This sequence change replaces serine, which is neutral and polar, with leucine, which is neutral and non-polar, at codon 1286 of the COL4A6 protein (p.Ser1286Leu). This variant is present in population databases (rs761686276, gnomAD 0.02%). This variant has not been reported in the literature in individuals affected with COL4A6-related conditions. Invitae Evidence Modeling of protein sequence and biophysical properties (such as structural, functional, and spatial information, amino acid conservation, physicochemical variation, residue mobility, and thermodynamic stability) indicates that this missense variant is not expected to disrupt COL4A6 protein function with a negative predictive value of 80%. In summary, the available evidence is currently insufficient to determine the role of this variant in disease. Therefore, it has been classified as a Variant of Uncertain Significance.

NM_033641.4(COL4A6):c.3854C>T (p.Ser1285Leu)

Gene: COL4A6 (collagen type IV alpha 6 chain; minus strand). Cytogenetic location: Xq22.3.
Variant type: single nucleotide variant.
Coding change: c.3854C>T on transcript NM_033641.4 (MANE Select); coding-DNA position 3854, C replaced by T.
Protein change: p.Ser1285Leu; replaces serine 1285 with leucine.
Molecular consequence: missense variant.
Genome position (GRCh38, 1-based): chrX:108,164,993, G>A on the plus strand (C>T on the coding strand, the complement: COL4A6 is on the minus strand). VCF-style: chrX-108164993-G-A. GRCh37 (hg19) VCF-style: chrX-107408223-G-A.
Other names: c.3905C>T, p.Ser1302Leu (NM_001287758.2); c.3782C>T, p.Ser1261Leu (NM_001287759.2, NM_001287760.2); c.3857C>T, p.Ser1286Leu (NM_001847.4); short protein forms S1261L, S1286L, S1302L, S1285L.
Identifiers: ClinVar variation 4748349 (VCV004748349.1).